The following is an entry in ClinVar:

NM_001365536.1(SCN9A):c.5702G>A (p.Arg1901Lys)

Genes: SCN1A-AS1 (SCN1A and SCN9A antisense RNA 1; plus strand), SCN9A (sodium voltage-gated channel alpha subunit 9; minus strand). Cytogenetic location: 2q24.3.
Variant type: single nucleotide variant.
Coding change: c.5702G>A on transcript NM_001365536.1 (MANE Select); coding-DNA position 5702, G replaced by A.
Protein change: p.Arg1901Lys; replaces arginine 1901 with lysine.
Molecular consequence: missense variant.
Genome position (GRCh38, 1-based): chr2:166,198,937, C>T on the plus strand (G>A on the coding strand, the complement: SCN9A is on the minus strand). VCF-style: chr2-166198937-C-T. GRCh37 (hg19) VCF-style: chr2-167055447-C-T.
Other names: c.5669G>A, p.Arg1890Lys (NM_002977.4); short protein forms R1890K, R1901K.
Identifiers: ClinVar variation 4855617 (VCV004855617.1).
Genomic context (GRCh38, chr2:166,198,937, plus strand): 5'-TCTCCATCTTTTATGTATATACTTGATATATTTTTGACATTTTGCCTTAAGCGGTAACGT[C>T]TATAAGCACGCTGAATGACAGTAGCAGACACATCCTCTTGTTTCCGTTTTAGTGTGGTTG-3'
Protein context (NP_001352465.1, residues 1891-1911): VSATVIQRAY[Arg1901Lys]RYRLRQNVKN

ClinVar aggregate classification (germline): Uncertain significance (1 of 4 stars; one submission).

Conditions:
SCN9A-related disorder. Also called: SCN9A-related disorders; SCN9A-related condition.

Submission:

3billion
Classification: Uncertain significance for SCN9A-related disorder. Last evaluated: 2025-11-06. Review status: criteria provided, single submitter. Criteria: ACMG Guidelines, 2015. Collection method: clinical testing. Allele origin: germline. Affected: yes.
Comment: The variant is not observed in the gnomAD v4.1.0 dataset. Predicted Consequence/Location: Missense variant. The majority of the known disease-causing variants of this gene are variants expected to result in premature termination of the protein. In silico tool predictions suggest damaging effect of the variant on gene or gene product [REVEL: 0.67 (>=0.6, sensitivity 0.68 and specificity 0.92); 3Cnet: 0.86 (> 0.75, sensitivity 0.96 and precision 0.92)]. Different missense changes at the same codon have been reported as of uncertain significance (ClinVar ID: VCV002921569). Therefore, this variant is classified as VUS according to the recommendation of ACMG/AMP guideline.